The following is an entry in ClinVar:

NM_001557.4(CXCR2):c.18G>A (p.Met6Ile)

Gene: CXCR2 (C-X-C motif chemokine receptor 2; plus strand). Cytogenetic location: 2q35.
Variant type: single nucleotide variant.
Coding change: c.18G>A on transcript NM_001557.4 (MANE Select); coding-DNA position 18, G replaced by A.
Protein change: p.Met6Ile; replaces methionine 6 with isoleucine.
Molecular consequence: missense variant.
Genome position (GRCh38, 1-based): chr2:218,134,819, G>A. VCF-style: chr2-218134819-G-A. GRCh37 (hg19) VCF-style: chr2-218999542-G-A.
Other names: c.18G>A, p.Met6Ile (NM_001168298.2); c.18G>A (NM_001557.3); short protein forms M6I.
Identifiers: ClinVar variation 1900496 (VCV001900496.3), dbSNP rs201134932, ClinGen allele CA2101634.

ClinVar aggregate classification (germline): Uncertain significance. Review status: criteria provided, multiple submitters, no conflicts (2 of 4 stars). 2 submissions from 2 submitters: Uncertain significance (2). Last evaluated 2024-12-20.

Allele frequency attached by ClinVar (database versions not stated): ExAC 0.00002; gnomAD 0.00002; TOPMed 0.00002; gnomAD exomes 0.00003.
gnomAD v4.1: 46 of 1,613,032 alleles (0.0029%); highest among the groups gnomAD compares: Non-Finnish European, 0.0037%; no homozygotes.

Submissions (2):

Ambry Genetics
Classification: Uncertain significance. Last evaluated: 2024-12-20. Review status: criteria provided, single submitter. Criteria: Ambry Variant Classification Scheme 2023. Collection method: clinical testing. Allele origin: germline.

Labcorp Genetics (formerly Invitae), Labcorp
Classification: Uncertain significance. Last evaluated: 2022-09-30. Review status: criteria provided, single submitter. Criteria: Invitae Variant Classification Sherloc (09022015). Collection method: clinical testing. Allele origin: germline.
Comment: This sequence change replaces methionine, which is neutral and non-polar, with isoleucine, which is neutral and non-polar, at codon 6 of the CXCR2 protein (p.Met6Ile). This variant is present in population databases (rs201134932, gnomAD 0.003%). This variant has not been reported in the literature in individuals affected with CXCR2-related conditions. Algorithms developed to predict the effect of missense changes on protein structure and function (SIFT, PolyPhen-2, Align-GVGD) all suggest that this variant is likely to be tolerated. Algorithms developed to predict the effect of sequence changes on RNA splicing suggest that this variant may create or strengthen a splice site. In summary, the available evidence is currently insufficient to determine the role of this variant in disease. Therefore, it has been classified as a Variant of Uncertain Significance.